The following is an entry in ClinVar:

NM_000069.3(CACNA1S):c.2360+8C>A

Gene: CACNA1S (calcium voltage-gated channel subunit alpha1 S; minus strand). Cytogenetic location: 1q32.1.
Variant type: single nucleotide variant.
Coding change: c.2360+8C>A on transcript NM_000069.3 (MANE Select); 8 bases into the intron after coding-DNA position 2360, C replaced by A.
Molecular consequence: intron variant.
Genome position (GRCh38, 1-based): chr1:201,070,264, G>T on the plus strand (C>A on the coding strand, the complement: CACNA1S is on the minus strand). VCF-style: chr1-201070264-G-T. GRCh37 (hg19) VCF-style: chr1-201039392-G-T.
Identifiers: ClinVar variation 3052858 (VCV003052858.2), dbSNP rs539403285, ClinGen allele CA528304441.

ClinVar aggregate classification (germline): Likely benign (0 of 4 stars; one submission).

Conditions:
CACNA1S-related disorder. Also called: CACNA1S-related condition.

Submission:

PreventionGenetics, part of Exact Sciences
Classification: Likely benign for CACNA1S-related condition. Last evaluated: 2023-05-09. Review status: no assertion criteria provided. Collection method: clinical testing. Allele origin: germline.
Comment: This variant is classified as likely benign based on ACMG/AMP sequence variant interpretation guidelines (Richards et al. 2015 PMID: 25741868, with internal and published modifications).